The following is an entry in ClinVar:

NM_000340.2(SLC2A2):c.*1222T>A

Gene: SLC2A2 (solute carrier family 2 member 2; minus strand). Cytogenetic location: 3q26.2.
Variant type: single nucleotide variant.
Coding change: c.*1222T>A on transcript NM_000340.2 (MANE Select); 1222 bases downstream of the stop codon, T replaced by A.
Molecular consequence: 3 prime UTR variant.
Genome position (GRCh38, 1-based): chr3:170,996,681, A>T on the plus strand (T>A on the coding strand, the complement: SLC2A2 is on the minus strand). VCF-style: chr3-170996681-A-T. GRCh37 (hg19) VCF-style: chr3-170714470-A-T.
Other names: c.*1222T>A (NM_001278658.2, NM_001278659.2).
Identifiers: ClinVar variation 344138 (VCV000344138.6), dbSNP rs55989805, ClinGen allele CA10617980.

ClinVar aggregate classification (germline): Benign. Review status: criteria provided, multiple submitters, no conflicts (2 of 4 stars). 2 submissions from 2 submitters: Benign (2). Last evaluated 2018-01-13.

Conditions:
Fanconi-Bickel syndrome (FBS). Also called: HEPATIC GLYCOGENOSIS WITH FANCONI NEPHROPATHY; HEPATORENAL GLYCOGENOSIS WITH RENAL FANCONI SYNDROME; PSEUDO-PHLORIZIN DIABETES; Glycogen storage disease due to GLUT2 deficiency; FANCONI SYNDROME WITH INTESTINAL MALABSORPTION AND GALACTOSE INTOLERANCE; HEPATIC GLYCOGENOSIS WITH AMINO ACIDURIA AND GLUCOSURIA. Identifiers: Orphanet 2088, MedGen C3495427, MONDO:0009216, OMIM 227810.

Allele frequency attached by ClinVar (database versions not stated): gnomAD exomes 0.13250; 1000 Genomes Project 0.20068; gnomAD 0.20792 and 0.21407; 1000 Genomes Project 30x 0.21237; TOPMed 0.21575.
gnomAD v4.1: 64,385 of 397,614 alleles (16%); highest among the groups gnomAD compares: African/African-American, 40%; 7,193 homozygotes.

Submissions (2):

Illumina Laboratory Services, Illumina
Classification: Benign for Fanconi-Bickel syndrome. Last evaluated: 2018-01-13. Review status: criteria provided, single submitter. Criteria: ICSL Variant Classification Criteria 13 December 2019. Collection method: clinical testing. Allele origin: germline.
Comment: This variant was observed in the ICSL laboratory as part of a predisposition screen in an ostensibly healthy population. It had not been previously curated by ICSL or reported in the Human Gene Mutation Database (HGMD: prior to June 1st, 2018), and was therefore a candidate for classification through an automated scoring system. Utilizing variant allele frequency, disease prevalence and penetrance estimates, and inheritance mode, an automated score was calculated to assess if this variant is too frequent to cause the disease. Based on the score and internal cut-off values, a variant classified as benign is not then subjected to further curation. The score for this variant resulted in a classification of benign for this disease.

Breakthrough Genomics
Classification: Benign. Review status: criteria provided, single submitter. Criteria: ACMG Guidelines, 2015. Collection method: not provided. Allele origin: germline. Inheritance: Autosomal recessive inheritance. Affected: yes.